The following is an entry in ClinVar:

ClinVar aggregate classification (germline): Uncertain significance (1 of 4 stars; one submission).

gnomAD v4.1: 1 of 1,608,344 alleles (0.000062%); highest among the groups gnomAD compares: Non-Finnish European, 0.000085%; no homozygotes.

Submission:

CeGaT Center for Human Genetics Tuebingen
Classification: Uncertain significance. Last evaluated: 2024-07-01. Review status: criteria provided, single submitter. Criteria: CeGaT Center For Human Genetics Tuebingen Variant Classification Criteria Version 2. Collection method: clinical testing. Allele origin: germline. Affected: yes. Observed: 1 variant allele.
Comment: COL4A1: PM2:Supporting, BP4

NM_001845.6(COL4A1):c.4108C>T (p.Leu1370=)

Gene: COL4A1 (collagen type IV alpha 1 chain; minus strand). Cytogenetic location: 13q34.
Variant type: single nucleotide variant.
Coding change: c.4108C>T on transcript NM_001845.6 (MANE Select); coding-DNA position 4108, C replaced by T.
Protein change: p.Leu1370=; no amino-acid change (leucine 1370 retained).
Molecular consequence: synonymous variant.
Genome position (GRCh38, 1-based): chr13:110,164,904, G>A on the plus strand (C>T on the coding strand, the complement: COL4A1 is on the minus strand). VCF-style: chr13-110164904-G-A. GRCh37 (hg19) VCF-style: chr13-110817251-G-A.
Identifiers: ClinVar variation 3257314 (VCV003257314.17).